The following is an entry in ClinVar:

NM_031220.4(PITPNM3):c.1622G>C (p.Arg541Pro)

Gene: PITPNM3 (PITPNM family member 3; minus strand). Cytogenetic location: 17p13.2.
Variant type: single nucleotide variant.
Coding change: c.1622G>C on transcript NM_031220.4 (MANE Select); coding-DNA position 1622, G replaced by C.
Protein change: p.Arg541Pro; replaces arginine 541 with proline.
Molecular consequence: missense variant.
Genome position (GRCh38, 1-based): chr17:6,471,163, C>G on the plus strand (G>C on the coding strand, the complement: PITPNM3 is on the minus strand). VCF-style: chr17-6471163-C-G. GRCh37 (hg19) VCF-style: chr17-6374483-C-G.
Other names: c.1514G>C, p.Arg505Pro (NM_001165966.2); short protein forms R505P, R541P.
Identifiers: ClinVar variation 1011270 (VCV001011270.10), dbSNP rs201356209, ClinGen allele CA8329459.
Genomic context (GRCh38, chr17:6,471,163, plus strand): 5'-CCAGAGGAAGGTTCCCCTCCCCCGAATCCAGGCAGGGCCCCAAAAGGACCTCACTCACTG[C>G]GGGAGGCACCCACGGGTGCCATGCTGTCCGAGGACTCCGAGCTCTCGCTGTGGGAGCTCC-3'
Protein context (NP_112497.2, residues 531-551): SDSMAPVGAS[Arg541Pro]ITAKWWGSKR

ClinVar aggregate classification (germline): Uncertain significance (1 of 4 stars; one submission).

Allele frequency attached by ClinVar (database versions not stated): TOPMed 0.00003.
gnomAD v4.1: 8 of 1,612,060 alleles (0.0005%); highest among the groups gnomAD compares: Non-Finnish European, 0.00068%; no homozygotes.

Submission:

Labcorp Genetics (formerly Invitae), Labcorp
Classification: Uncertain significance. Last evaluated: 2025-06-23. Review status: criteria provided, single submitter. Criteria: Invitae Variant Classification Sherloc (09022015). Collection method: clinical testing. Allele origin: germline.
Comment: This sequence change replaces arginine, which is basic and polar, with proline, which is neutral and non-polar, at codon 541 of the PITPNM3 protein (p.Arg541Pro). This variant is present in population databases (rs201356209, gnomAD 0.0009%). This variant has not been reported in the literature in individuals affected with PITPNM3-related conditions. ClinVar contains an entry for this variant (Variation ID: 1011270). An algorithm developed to predict the effect of missense changes on protein structure and function (PolyPhen-2) suggests that this variant is likely to be disruptive. In summary, the available evidence is currently insufficient to determine the role of this variant in disease. Therefore, it has been classified as a Variant of Uncertain Significance.